The following is an entry in ClinVar:

NM_000075.4(CDK4):c.747T>C (p.Phe249=)

Genes: CDK4 (cyclin dependent kinase 4; minus strand), TSPAN31 (tetraspanin 31; plus strand). Cytogenetic location: 12q14.1.
Variant type: single nucleotide variant.
Coding change: c.747T>C on transcript NM_000075.4 (MANE Select); coding-DNA position 747, T replaced by C.
Protein change: p.Phe249=; no amino-acid change (phenylalanine 249 retained).
Molecular consequence: synonymous variant. On other transcripts: 3 prime UTR variant (3).
Genome position (GRCh38, 1-based): chr12:57,749,254, A>G on the plus strand (T>C on the coding strand, the complement: CDK4 is on the minus strand). VCF-style: chr12-57749254-A-G. GRCh37 (hg19) VCF-style: chr12-58143037-A-G.
Other names: c.*1964A>G (NM_001330168.2, NM_001330169.2, NM_005981.5).
Identifiers: ClinVar variation 309978 (VCV000309978.16), dbSNP rs886049713, ClinGen allele CA10633356.

ClinVar aggregate classification (germline): Conflicting classifications of pathogenicity. Review status: criteria provided, conflicting classifications (1 of 4 stars). 4 submissions from 4 submitters: Uncertain significance (1); Benign (1); Likely benign (2). Last evaluated 2026-01-04.

Conditions:
Familial melanoma. Also called: Hereditary melanoma; Hereditary cutaneous melanoma. Identifiers: Orphanet 618, MedGen C1512419, MONDO:0018961.
Hereditary cancer-predisposing syndrome. Also called: Neoplastic Syndromes, Hereditary; Tumor predisposition; Hereditary Cancer Syndrome; Hereditary neoplastic syndrome. Identifiers: Orphanet 140162, MedGen C0027672, MeSH D009386, MONDO:0015356.
Melanoma, cutaneous malignant, susceptibility to, 3. Also called: Cutaneous malignant melanoma 3. Identifiers: Orphanet 618, MedGen C1836892, MONDO:0012183, OMIM 609048.

Submissions (4):

Labcorp Genetics (formerly Invitae), Labcorp
Classification: Likely benign for Familial melanoma. Last evaluated: 2026-01-04. Review status: criteria provided, single submitter. Criteria: Invitae Variant Classification Sherloc (09022015). Collection method: clinical testing. Allele origin: germline.

Myriad Genetics, Inc.
Classification: Benign for Melanoma, cutaneous malignant, susceptibility to, 3. Last evaluated: 2024-09-26. Review status: criteria provided, single submitter. Criteria: Myriad Autosomal Dominant, Autosomal Recessive and X-Linked Classification Criteria (2023). Collection method: clinical testing. Allele origin: unknown.
Comment: This variant is considered benign. This variant is a silent/synonymous amino acid change and it is not expected to impact splicing.

Ambry Genetics
Classification: Likely benign for Hereditary cancer-predisposing syndrome. Last evaluated: 2020-10-21. Review status: criteria provided, single submitter. Criteria: Ambry Variant Classification Scheme 2023. Collection method: clinical testing. Allele origin: germline.

Illumina Laboratory Services, Illumina
Classification: Uncertain significance for Melanoma, cutaneous malignant, susceptibility to, 3. Last evaluated: 2018-01-12. Review status: criteria provided, single submitter. Criteria: ICSL Variant Classification Criteria 13 December 2019. Collection method: clinical testing. Allele origin: germline.